The following is an entry in ClinVar:

ClinVar aggregate classification (germline): Uncertain significance. Review status: criteria provided, multiple submitters, no conflicts (2 of 4 stars). 2 submissions from 2 submitters: Uncertain significance (2). Last evaluated 2025-01-08.

Conditions:
Inborn genetic diseases. Identifiers: MedGen C0950123, MeSH D030342.
Chédiak-Higashi syndrome (CHS). Also called: Chediak-Higashi Syndrome. Identifiers: Orphanet 167, MedGen C0007965, MONDO:0008963, OMIM 214500.

gnomAD v4.1: 2 of 1,613,522 alleles (0.00012%); highest among the groups gnomAD compares: East Asian, 0.0045%; no homozygotes.

Submissions (2):

Labcorp Genetics (formerly Invitae), Labcorp
Classification: Uncertain significance for Chédiak-Higashi syndrome. Last evaluated: 2025-01-08. Review status: criteria provided, single submitter. Criteria: Invitae Variant Classification Sherloc (09022015). Collection method: clinical testing. Allele origin: germline.
Comment: This sequence change replaces threonine, which is neutral and polar, with lysine, which is basic and polar, at codon 3116 of the LYST protein (p.Thr3116Lys). This variant is present in population databases (no rsID available, gnomAD 0.06%). This variant has not been reported in the literature in individuals affected with LYST-related conditions. ClinVar contains an entry for this variant (Variation ID: 654441). Invitae Evidence Modeling of protein sequence and biophysical properties (such as structural, functional, and spatial information, amino acid conservation, physicochemical variation, residue mobility, and thermodynamic stability) indicates that this missense variant is not expected to disrupt LYST protein function with a negative predictive value of 80%. In summary, the available evidence is currently insufficient to determine the role of this variant in disease. Therefore, it has been classified as a Variant of Uncertain Significance.

Ambry Genetics
Classification: Uncertain significance for Inborn genetic diseases. Last evaluated: 2021-06-30. Review status: criteria provided, single submitter. Criteria: Ambry Variant Classification Scheme 2023. Collection method: clinical testing. Allele origin: germline.

NM_000081.4(LYST):c.9347C>A (p.Thr3116Lys)

Gene: LYST (lysosomal trafficking regulator; minus strand). Cytogenetic location: 1q42.3.
Variant type: single nucleotide variant.
Coding change: c.9347C>A on transcript NM_000081.4 (MANE Select); coding-DNA position 9347, C replaced by A.
Protein change: p.Thr3116Lys; replaces threonine 3116 with lysine.
Molecular consequence: missense variant.
Genome position (GRCh38, 1-based): chr1:235,720,874, G>T on the plus strand (C>A on the coding strand, the complement: LYST is on the minus strand). VCF-style: chr1-235720874-G-T. GRCh37 (hg19) VCF-style: chr1-235884174-G-T.
Other names: c.9347C>A (NM_000081.2); c.9347C>A, p.Thr3116Lys (NM_001301365.1); short protein forms T3116K.
Identifiers: ClinVar variation 654441 (VCV000654441.5), dbSNP rs769152918, ClinGen allele CA344944389.